The following is an entry in ClinVar:

NM_001376.5(DYNC1H1):c.8751C>G (p.Asp2917Glu)

Gene: DYNC1H1 (dynein cytoplasmic 1 heavy chain 1; plus strand). Cytogenetic location: 14q32.31.
Variant type: single nucleotide variant.
Coding change: c.8751C>G on transcript NM_001376.5 (MANE Select); coding-DNA position 8751, C replaced by G.
Protein change: p.Asp2917Glu; replaces aspartic acid 2917 with glutamic acid.
Molecular consequence: missense variant.
Genome position (GRCh38, 1-based): chr14:102,026,687, C>G. VCF-style: chr14-102026687-C-G. GRCh37 (hg19) VCF-style: chr14-102493024-C-G.
Other names: short protein forms D2917E.
Identifiers: ClinVar variation 1364680 (VCV001364680.8), dbSNP rs2152588718, ClinGen allele CA391009315.

ClinVar aggregate classification (germline): Uncertain significance (1 of 4 stars; one submission).

Conditions:
Charcot-Marie-Tooth disease axonal type 2O. Also called: CHARCOT-MARIE-TOOTH NEUROPATHY, AXONAL, TYPE 2O; CHARCOT-MARIE-TOOTH DISEASE, AXONAL, AUTOSOMAL DOMINANT, TYPE 2O; Charcot-Marie-Tooth disease, axonal, type 20; Charcot-Marie-Tooth Neuropathy Type 2O. Identifiers: Orphanet 284232, MedGen C3280220, MONDO:0013644, OMIM 614228.

gnomAD v4.1: 3 of 1,614,106 alleles (0.00019%); highest among the groups gnomAD compares: Non-Finnish European, 0.00025%; no homozygotes.

Submission:

Labcorp Genetics (formerly Invitae), Labcorp
Classification: Uncertain significance for Charcot-Marie-Tooth disease axonal type 2O. Last evaluated: 2025-02-16. Review status: criteria provided, single submitter. Criteria: Invitae Variant Classification Sherloc (09022015). Collection method: clinical testing. Allele origin: germline.
Comment: This sequence change replaces aspartic acid, which is acidic and polar, with glutamic acid, which is acidic and polar, at codon 2917 of the DYNC1H1 protein (p.Asp2917Glu). This variant is not present in population databases (gnomAD no frequency). This missense change has been observed in individual(s) with clinical features of Charcot-Marie-Tooth Disease (PMID: 32376792). ClinVar contains an entry for this variant (Variation ID: 1364680). Invitae Evidence Modeling of protein sequence and biophysical properties (such as structural, functional, and spatial information, amino acid conservation, physicochemical variation, residue mobility, and thermodynamic stability) indicates that this missense variant is not expected to disrupt DYNC1H1 protein function with a negative predictive value of 95%. In summary, the available evidence is currently insufficient to determine the role of this variant in disease. Therefore, it has been classified as a Variant of Uncertain Significance.

Literature cited by the submitters: PubMed 32376792.